The following is an entry in ClinVar:

NM_000211.5(ITGB2):c.181C>T (p.Arg61Cys)

Gene: ITGB2 (integrin subunit beta 2; minus strand). Cytogenetic location: 21q22.3.
Variant type: single nucleotide variant.
Coding change: c.181C>T on transcript NM_000211.5 (MANE Select); coding-DNA position 181, C replaced by T.
Protein change: p.Arg61Cys; replaces arginine 61 with cysteine.
Molecular consequence: missense variant. On other transcripts: 5 prime UTR variant (1).
Genome position (GRCh38, 1-based): chr21:44,907,062, G>A on the plus strand (C>T on the coding strand, the complement: ITGB2 is on the minus strand). VCF-style: chr21-44907062-G-A. GRCh37 (hg19) VCF-style: chr21-46326977-G-A.
Other names: c.181C>T, p.Arg61Cys (NM_001127491.3); c.-27C>T (NM_001303238.2); c.181C>T (LRG_76t1); short protein forms R61C.
Identifiers: ClinVar variation 340178 (VCV000340178.10), dbSNP rs375038257, ClinGen allele CA10063303.

ClinVar aggregate classification (germline): Uncertain significance. Review status: criteria provided, multiple submitters, no conflicts (2 of 4 stars). 3 submissions from 3 submitters: Uncertain significance (3). Last evaluated 2025-04-29.

Conditions:
Inborn genetic diseases. Identifiers: MedGen C0950123, MeSH D030342.
Leukocyte adhesion deficiency 1 (LAD1). Also called: LEUKOCYTE ADHESION DEFICIENCY, TYPE I; LAD 1; Lymphocyte function-associated antigen 1 immunodeficiency; LFA 1 immunodeficiency. Identifiers: Orphanet 2968, Orphanet 99842, MedGen C0398738, MONDO:0007293, OMIM 116920.

Allele frequency attached by ClinVar (database versions not stated): gnomAD exomes 0.00001 and 0.00005; ExAC 0.00002; TOPMed 0.00004; gnomAD 0.00005 and 0.00006; ESP Exome Variant Server 0.00008.
gnomAD v4.1: 96 of 1,610,110 alleles (0.006%); highest among the groups gnomAD compares: Non-Finnish European, 0.0066%; no homozygotes.

Submissions (3):

Ambry Genetics
Classification: Uncertain significance for Inborn genetic diseases. Last evaluated: 2025-04-29. Review status: criteria provided, single submitter. Criteria: Ambry Variant Classification Scheme 2023. Collection method: clinical testing. Allele origin: germline.

Labcorp Genetics (formerly Invitae), Labcorp
Classification: Uncertain significance for Leukocyte adhesion deficiency 1. Last evaluated: 2021-11-25. Review status: criteria provided, single submitter. Criteria: Invitae Variant Classification Sherloc (09022015). Collection method: clinical testing. Allele origin: germline.
Comment: This sequence change replaces arginine, which is basic and polar, with cysteine, which is neutral and slightly polar, at codon 61 of the ITGB2 protein (p.Arg61Cys). This variant is present in population databases (rs375038257, gnomAD 0.003%). This variant has not been reported in the literature in individuals affected with ITGB2-related conditions. ClinVar contains an entry for this variant (Variation ID: 340178). Algorithms developed to predict the effect of missense changes on protein structure and function (SIFT, PolyPhen-2, Align-GVGD) all suggest that this variant is likely to be disruptive. In summary, the available evidence is currently insufficient to determine the role of this variant in disease. Therefore, it has been classified as a Variant of Uncertain Significance.

Illumina Laboratory Services, Illumina
Classification: Uncertain significance for Leukocyte adhesion deficiency 1. Last evaluated: 2018-01-12. Review status: criteria provided, single submitter. Criteria: ICSL Variant Classification Criteria 13 December 2019. Collection method: clinical testing. Allele origin: germline.